The following is an entry in ClinVar:

ClinVar aggregate classification (germline): Conflicting classifications of pathogenicity. Review status: criteria provided, conflicting classifications (1 of 4 stars). 4 submissions from 4 submitters: Uncertain significance (1); Benign (1); Likely benign (2). Last evaluated 2026-09-14.

Conditions:
Age related macular degeneration 1 (ARMD1). Also called: MACULOPATHY, AGE-RELATED, 1. Identifiers: MedGen C1864205, MONDO:0011285, OMIM 603075.
HMCN1-related disorder. Also called: HMCN1-related condition.

Allele frequency attached by ClinVar (database versions not stated): gnomAD 0.00028 and 0.00040; TOPMed 0.00028; ESP Exome Variant Server 0.00046; gnomAD exomes 0.00047 and 0.00054; ExAC 0.00054; 1000 Genomes Project 0.00180; 1000 Genomes Project 30x 0.00219.
gnomAD v4.1: 840 of 1,613,940 alleles (0.052%); highest among the groups gnomAD compares: South Asian, 0.25%; 4 homozygotes.

Submissions (4):

PreventionGenetics, part of Exact Sciences
Classification: Likely benign for HMCN1-related condition. Last evaluated: 2026-09-14. Review status: criteria provided, single submitter. Criteria: ACMG Guidelines, 2015. Collection method: clinical testing. Allele origin: germline.
Comment: This variant is classified as likely benign based on ACMG/AMP sequence variant interpretation guidelines (Richards et al. 2015 PMID: 25741868, with internal and published modifications).

Labcorp Genetics (formerly Invitae), Labcorp
Classification: Likely benign. Last evaluated: 2026-01-29. Review status: criteria provided, single submitter. Criteria: Invitae Variant Classification Sherloc (09022015). Collection method: clinical testing. Allele origin: germline.

CeGaT Center for Human Genetics Tuebingen
Classification: Benign. Last evaluated: 2025-02-01. Review status: criteria provided, single submitter. Criteria: CeGaT Center For Human Genetics Tuebingen Variant Classification Criteria Version 2. Collection method: clinical testing. Allele origin: germline. Affected: yes. Observed: 3 variant alleles.
Comment: HMCN1: BP4, BS1, BS2

Illumina Laboratory Services, Illumina
Classification: Uncertain significance for Age related macular degeneration 1. Last evaluated: 2017-04-27. Review status: criteria provided, single submitter. Criteria: ICSL Variant Classification Criteria 13 December 2019. Collection method: clinical testing. Allele origin: germline.
Comment: This variant was observed as part of a predisposition screen in an ostensibly healthy population. A literature search was performed for the gene, cDNA change, and amino acid change (where applicable). Publications were found based on this search. However, the evidence from the literature, in combination with allele frequency data from public databases where available, was not sufficient to rule this variant in or out of causing disease. Therefore, this variant is classified as a variant of unknown significance.

Literature cited by the submitters: PubMed 25338956 (cited by Illumina Laboratory Services, Illumina).

NM_031935.3(HMCN1):c.14111C>T (p.Ala4704Val)

Gene: HMCN1 (hemicentin 1; plus strand). Cytogenetic location: 1q31.1.
Variant type: single nucleotide variant.
Coding change: c.14111C>T on transcript NM_031935.3 (MANE Select); coding-DNA position 14111, C replaced by T.
Protein change: p.Ala4704Val; replaces alanine 4704 with valine.
Molecular consequence: missense variant.
Genome position (GRCh38, 1-based): chr1:186,144,548, C>T. VCF-style: chr1-186144548-C-T. GRCh37 (hg19) VCF-style: chr1-186113680-C-T.
Other names: short protein forms A4704V.
Identifiers: ClinVar variation 874977 (VCV000874977.34), dbSNP rs41317503, ClinGen allele CA1294866.